The following is an entry in ClinVar:

ClinVar aggregate classification (germline): Uncertain significance (1 of 4 stars; one submission).

Submission:

GeneDx
Classification: Uncertain significance. Last evaluated: 2026-04-23. Review status: criteria provided, single submitter. Criteria: GeneDx Variant Classification Process June 2021. Collection method: clinical testing. Allele origin: germline.
Comment: Not observed at significant frequency in large population cohorts (gnomAD); In silico analysis supports that this missense variant has a deleterious effect on protein structure/function; Has not been previously published as pathogenic or benign to our knowledge

NM_005548.3(KARS1):c.63-2605C>G

Gene: KARS1 (lysyl-tRNA synthetase 1; minus strand). Cytogenetic location: 16q23.1.
Variant type: single nucleotide variant.
Coding change: c.63-2605C>G on transcript NM_005548.3 (MANE Select); 2605 bases into the intron before coding-DNA position 63, C replaced by G.
Molecular consequence: intron variant. On other transcripts: missense variant (1).
Genome position (GRCh38, 1-based): chr16:75,644,328, G>C on the plus strand (C>G on the coding strand, the complement: KARS1 is on the minus strand). VCF-style: chr16-75644328-G-C. GRCh37 (hg19) VCF-style: chr16-75678226-G-C.
Other names: c.-406-2605C>G (NM_001378148.1); c.101C>G, p.Pro34Arg (NM_001130089.2); short protein forms P34R.
Identifiers: ClinVar variation 5037498 (VCV005037498.1).